The following is an entry in ClinVar:

ClinVar aggregate classification (germline): Conflicting classifications of pathogenicity. Review status: criteria provided, conflicting classifications (1 of 4 stars). 2 submissions from 2 submitters: Uncertain significance (1); Likely benign (1). Last evaluated 2026-01-19.

Conditions:
Hereditary cancer-predisposing syndrome. Also called: Neoplastic Syndromes, Hereditary; Tumor predisposition; Hereditary Cancer Syndrome; Hereditary neoplastic syndrome. Identifiers: Orphanet 140162, MedGen C0027672, MeSH D009386, MONDO:0015356.
Hereditary breast ovarian cancer syndrome. Also called: BRCA1- and BRCA2-Associated Hereditary Breast and Ovarian Cancer; Hereditary breast and ovarian cancer syndrome; Hereditary breast and ovarian cancer; Breast and ovarian cancer; Hereditary breast and/or ovarian cancer syndrome; Hereditary breast and ovarian cancer syndrome (HBOC). Identifiers: Orphanet 145, MedGen C0677776, MeSH D061325, MONDO:0003582. Disease mechanism: loss of function.

Submissions (2):

Labcorp Genetics (formerly Invitae), Labcorp
Classification: Uncertain significance for Hereditary breast ovarian cancer syndrome. Last evaluated: 2026-01-19. Review status: criteria provided, single submitter. Criteria: Invitae Variant Classification Sherloc (09022015). Collection method: clinical testing. Allele origin: germline.
Comment: This sequence change replaces tyrosine, which is neutral and polar, with phenylalanine, which is neutral and non-polar, at codon 42 of the BRCA2 protein (p.Tyr42Phe). This variant is not present in population databases (gnomAD no frequency). This variant has not been reported in the literature in individuals affected with BRCA2-related conditions. Invitae Evidence Modeling of protein sequence and biophysical properties (such as structural, functional, and spatial information, amino acid conservation, physicochemical variation, residue mobility, and thermodynamic stability) indicates that this missense variant is not expected to disrupt BRCA2 protein function with a negative predictive value of 95%. In summary, the available evidence is currently insufficient to determine the role of this variant in disease. Therefore, it has been classified as a Variant of Uncertain Significance.

Ambry Genetics
Classification: Likely benign for Hereditary cancer-predisposing syndrome. Last evaluated: 2025-10-22. Review status: criteria provided, single submitter. Criteria: Ambry Variant Classification Scheme 2023. Collection method: clinical testing. Allele origin: germline.

NM_000059.4(BRCA2):c.125A>T (p.Tyr42Phe)

Gene: BRCA2 (BRCA2 DNA repair associated; plus strand). Cytogenetic location: 13q13.1.
Variant type: single nucleotide variant.
Coding change: c.125A>T on transcript NM_000059.4 (MANE Select); coding-DNA position 125, A replaced by T.
Protein change: p.Tyr42Phe; replaces tyrosine 42 with phenylalanine.
Molecular consequence: missense variant. On other transcripts: 5 prime UTR variant (1), non-coding transcript variant (1).
Genome position (GRCh38, 1-based): chr13:32,319,134, A>T. VCF-style: chr13-32319134-A-T. GRCh37 (hg19) VCF-style: chr13-32893271-A-T.
Other names: c.125A>T, p.Tyr42Phe (NM_001406719.1, NM_001406720.1, NM_001406721.1 and 1 more transcripts); c.-245A>T (NM_001406722.1); short protein forms Y42F.
Identifiers: ClinVar variation 4628787 (VCV004628787.2).